The following is an entry in ClinVar:

NM_006914.4(RORB):c.1114C>T (p.Arg372Ter)

Gene: RORB (RAR related orphan receptor B; plus strand). Cytogenetic location: 9q21.13.
Variant type: single nucleotide variant.
Coding change: c.1114C>T on transcript NM_006914.4 (MANE Select); coding-DNA position 1114, C replaced by T.
Protein change: p.Arg372Ter; replaces arginine 372 with a stop codon.
Molecular consequence: nonsense.
Genome position (GRCh38, 1-based): chr9:74,671,791, C>T. VCF-style: chr9-74671791-C-T. GRCh37 (hg19) VCF-style: chr9-77286707-C-T.
Other names: c.1114C>T (NM_006914.3); c.1147C>T, p.Arg383Ter (NM_001365023.1); short protein forms R383*, R372*.
Identifiers: ClinVar variation 1456655 (VCV001456655.21), dbSNP rs2118545746, ClinGen allele CA373771594.
Genomic context (GRCh38, chr9:74,671,791, plus strand): 5'-TGGGTGAAGCAAAACAAAGTTGATGTTCCCTCCACTTACCCACTCTTTCTTTCATCAGAC[C>T]GAGCCTGGCTTATAGAACCAAGGAAAGTCCAGAAGCTTCAGGAAAAAATTTATTTTGCAC-3'

ClinVar aggregate classification (germline): Pathogenic. Review status: criteria provided, multiple submitters, no conflicts (2 of 4 stars). 3 submissions from 3 submitters: Pathogenic (3). Last evaluated 2026-08-12.

Submissions (3):

GeneDx
Classification: Pathogenic. Last evaluated: 2026-08-12. Review status: criteria provided, single submitter. Criteria: GeneDx Variant Classification Process June 2021. Collection method: clinical testing. Allele origin: germline.
Comment: Nonsense variant predicted to result in protein truncation or nonsense mediated decay in a gene for which loss of function is a known mechanism of disease; Not observed at significant frequency in large population cohorts (gnomAD); This variant is associated with the following publications: (PMID: 35982160, 35982159, 38165337, 31981491, Gokce-Samar_2023)

CeGaT Center for Human Genetics Tuebingen
Classification: Pathogenic. Last evaluated: 2024-10-01. Review status: criteria provided, single submitter. Criteria: CeGaT Center For Human Genetics Tuebingen Variant Classification Criteria Version 2. Collection method: clinical testing. Allele origin: germline. Affected: yes. Observed: 1 variant allele.
Comment: RORB: PVS1, PM2

Labcorp Genetics (formerly Invitae), Labcorp
Classification: Pathogenic. Last evaluated: 2024-06-04. Review status: criteria provided, single submitter. Criteria: Invitae Variant Classification Sherloc (09022015). Collection method: clinical testing. Allele origin: germline.
Comment: This sequence change creates a premature translational stop signal (p.Arg372*) in the RORB gene. It is expected to result in an absent or disrupted protein product. Loss-of-function variants in RORB are known to be pathogenic (PMID: 27352968). This variant is not present in population databases (gnomAD no frequency). This variant has not been reported in the literature in individuals affected with RORB-related conditions. ClinVar contains an entry for this variant (Variation ID: 1456655). For these reasons, this variant has been classified as Pathogenic.

Literature cited by the submitters: PubMed 27352968 (cited by Labcorp Genetics (formerly Invitae), Labcorp).